The following is an entry in ClinVar:

NM_001378454.1(ALMS1):c.11890C>T (p.Pro3964Ser)

Genes: ALMS1 (ALMS1 centrosome and basal body associated protein; plus strand), LOC126806252 (BRD4-independent group 4 enhancer GRCh37_chr2:73828496-73829695; plus strand). Cytogenetic location: 2p13.1.
Variant type: single nucleotide variant.
Coding change: c.11890C>T on transcript NM_001378454.1 (MANE Select); coding-DNA position 11890, C replaced by T.
Protein change: p.Pro3964Ser; replaces proline 3964 with serine.
Molecular consequence: missense variant.
Genome position (GRCh38, 1-based): chr2:73,601,212, C>T. VCF-style: chr2-73601212-C-T. GRCh37 (hg19) VCF-style: chr2-73828339-C-T.
Other names: c.11893C>T, p.Pro3965Ser (NM_015120.4); short protein forms P3964S, P3965S.
Identifiers: ClinVar variation 2065541 (VCV002065541.5), dbSNP rs776483188, ClinGen allele CA1715371.
Genomic context (GRCh38, chr2:73,601,212, plus strand): 5'-AAAGTGAAAAATCTGTGTTCCTTCTAAAAACTGTTTCCTGTAGGAGTTTCCTGGTTTGTT[C>T]CTGTGGAAAATGTGGAGTCTAGATCAAAGAAGGAAAACGTGCCTAACACTTGTGGCCCTG-3'
Protein context (NP_001365383.1, residues 3954-3974): NSHEGVSWFV[Pro3964Ser]VENVESRSKK

ClinVar aggregate classification (germline): Uncertain significance. Review status: criteria provided, single submitter (1 of 4 stars). 2 submissions from 2 submitters: Uncertain significance (1). 1 of the submissions does not count toward it. Last evaluated 2022-07-05.

Conditions:
Alstrom syndrome (ALMS). Identifiers: Orphanet 64, MedGen C0268425, MONDO:0008763, OMIM 203800.

Allele frequency attached by ClinVar (database versions not stated): ExAC 0.00001; gnomAD 0.00001.
gnomAD v4.1: 2 of 1,614,026 alleles (0.00012%); highest among the groups gnomAD compares: Admixed American, 0.0017%; no homozygotes.

Submissions (2):

Labcorp Genetics (formerly Invitae), Labcorp
Classification: Uncertain significance for Alstrom syndrome. Last evaluated: 2022-07-05. Review status: criteria provided, single submitter. Criteria: Invitae Variant Classification Sherloc (09022015). Collection method: clinical testing. Allele origin: germline.
Comment: In summary, the available evidence is currently insufficient to determine the role of this variant in disease. Therefore, it has been classified as a Variant of Uncertain Significance. Experimental studies and prediction algorithms are not available or were not evaluated, and the functional significance of this variant is currently unknown. This variant has not been reported in the literature in individuals affected with ALMS1-related conditions. This variant is present in population databases (rs776483188, gnomAD 0.003%). This sequence change replaces proline, which is neutral and non-polar, with serine, which is neutral and polar, at codon 3965 of the ALMS1 protein (p.Pro3965Ser).

Natera, Inc.
Classification: Uncertain significance for Alstrom syndrome. Last evaluated: 2025-03-09. Review status: no assertion criteria provided. Collection method: clinical testing. Allele origin: germline. Not counted in ClinVar's aggregate classification.